The following is an entry in ClinVar:

ClinVar aggregate classification (germline): Conflicting classifications of pathogenicity. Review status: criteria provided, conflicting classifications (1 of 4 stars). 6 submissions from 6 submitters: Uncertain significance (2); Likely benign (3). 1 of the submissions does not count toward it. Last evaluated 2026-01-17.

Conditions:
JAG1-related disorder. Also called: JAG1-related disorders; JAG1-related condition.
Alagille syndrome due to a JAG1 point mutation. Also called: Alagille Syndrome 1; HEPATIC DUCTULAR HYPOPLASIA, SYNDROMATIC; JAG1-Related Alagille Syndrome. Identifiers: Orphanet 261619, Orphanet 52, MedGen C1956125, MONDO:0016862, OMIM 118450.
Cardiovascular phenotype. Identifiers: MedGen CN230736.
Isolated Nonsyndromic Congenital Heart Disease.

Allele frequency attached by ClinVar (database versions not stated): TOPMed 0.00011.
gnomAD v4.1: 154 of 1,613,002 alleles (0.0095%); highest among the groups gnomAD compares: Non-Finnish European, 0.012%; no homozygotes.

Submissions (7):

Labcorp Genetics (formerly Invitae), Labcorp
Classification: Likely benign for Alagille syndrome due to a JAG1 point mutation. Last evaluated: 2026-01-17. Review status: criteria provided, single submitter. Criteria: Invitae Variant Classification Sherloc (09022015). Collection method: clinical testing. Allele origin: germline.

Blueprint Genetics
Classification: Likely benign. Last evaluated: 2024-02-05. Review status: criteria provided, single submitter. Criteria: ACMG Guidelines, 2015. Collection method: clinical testing. Allele origin: germline.

Ambry Genetics
Classification: Likely benign for Cardiovascular phenotype. Last evaluated: 2022-06-14. Review status: criteria provided, single submitter. Criteria: Ambry Variant Classification Scheme 2023. Collection method: clinical testing. Allele origin: germline.

Eurofins Ntd Llc (ga)
Classification: Uncertain significance. Last evaluated: 2017-09-13. Review status: criteria provided, single submitter. Criteria: EGL Classification Definitions 2015. Collection method: clinical testing. Allele origin: germline. Observed: 2 variant alleles, 2 heterozygotes.

Illumina Laboratory Services, Illumina
Classification: Uncertain significance for Isolated Nonsyndromic Congenital Heart Disease. Last evaluated: 2017-04-27. Review status: criteria provided, single submitter. Criteria: ICSL Variant Classification Criteria 13 December 2019. Collection method: clinical testing. Allele origin: germline.

PreventionGenetics, part of Exact Sciences
Classification: Likely benign for JAG1-related condition. Last evaluated: 2022-03-15. Review status: no assertion criteria provided. Collection method: clinical testing. Allele origin: germline. Not counted in ClinVar's aggregate classification.
Comment: This variant is classified as likely benign based on ACMG/AMP sequence variant interpretation guidelines (Richards et al. 2015 PMID: 25741868, with internal and published modifications).

Gilbert/Spinner Lab, Children's Hospital of Philadelphia
No classification provided (evidence only). Condition: Alagille syndrome. Review status: no classification provided. Collection method: research. Allele origin: not applicable. Functional consequence: functionally_abnormal. Not counted in ClinVar's aggregate classification.
ClinVar note: "not provided" was previously submitted as the classification for the variant. However, the classification appeared to be based only on an observation of functional data so it was converted to no classification on 2025-07-30.

NM_000214.3(JAG1):c.294C>G (p.Ser98=)

Gene: JAG1 (jagged canonical Notch ligand 1; minus strand). Cytogenetic location: 20p12.2.
Variant type: single nucleotide variant.
Coding change: c.294C>G on transcript NM_000214.3 (MANE Select); coding-DNA position 294, C replaced by G.
Protein change: p.Ser98=; no amino-acid change (serine 98 retained).
Molecular consequence: synonymous variant.
Genome position (GRCh38, 1-based): chr20:10,672,794, G>C on the plus strand (C>G on the coding strand, the complement: JAG1 is on the minus strand). VCF-style: chr20-10672794-G-C. GRCh37 (hg19) VCF-style: chr20-10653442-G-C.
Other names: c.294C>G, p.Ser98= (LRG_1191t1).
Identifiers: ClinVar variation 594067 (VCV000594067.24), dbSNP rs79338570, ClinGen allele CA9765184.